The following is an entry in ClinVar:

NM_001256789.3(CACNA1F):c.4813G>A (p.Ala1605Thr)

Genes: CACNA1F (calcium voltage-gated channel subunit alpha1 F; minus strand), LOC126863257 (BRD4-independent group 4 enhancer GRCh37_chrX:49065732-49066931; plus strand). Cytogenetic location: Xp11.23.
Variant type: single nucleotide variant.
Coding change: c.4813G>A on transcript NM_001256789.3 (MANE Select); coding-DNA position 4813, G replaced by A.
Protein change: p.Ala1605Thr; replaces alanine 1605 with threonine.
Molecular consequence: missense variant.
Genome position (GRCh38, 1-based): chrX:49,209,637, C>T on the plus strand (G>A on the coding strand, the complement: CACNA1F is on the minus strand). VCF-style: chrX-49209637-C-T. GRCh37 (hg19) VCF-style: chrX-49066097-C-T.
Other names: c.4651G>A, p.Ala1551Thr (NM_001256790.3); c.4846G>A, p.Ala1616Thr (NM_005183.4); short protein forms A1551T, A1605T, A1616T.
Identifiers: ClinVar variation 1044490 (VCV001044490.10), dbSNP rs377551754, ClinGen allele CA10410115.
Genomic context (GRCh38, chrX:49,209,637, plus strand): 5'-AGCCACAGCACTGCCACACGTGCCCATCCACACTAGGCCCTGCCCCGAAGACCTGAAGGG[C>T]GGAAGAGGTGCTAGGGGCGGCGTCGTTGCCTAGTAGCCCTTTTTCTTTCCTCCGCCGGAA-3'
Protein context (NP_001243718.1, residues 1595-1615): GNDAAPSTSS[Ala1605Thr]LQAGLRSLQD

ClinVar aggregate classification (germline): Conflicting classifications of pathogenicity. Review status: criteria provided, conflicting classifications (1 of 4 stars). 2 submissions from 2 submitters: Uncertain significance (1); Likely benign (1). Last evaluated 2022-06-20.

Allele frequency attached by ClinVar (database versions not stated): gnomAD 0.00001; gnomAD exomes 0.00001; TOPMed 0.00001; ExAC 0.00003; ESP Exome Variant Server 0.00009.
gnomAD v4.1: 17 of 1,209,866 alleles (0.0014%); highest among the groups gnomAD compares: African/African-American, 0.0017%; no homozygotes.

Submissions (2):

Labcorp Genetics (formerly Invitae), Labcorp
Classification: Uncertain significance. Last evaluated: 2022-06-20. Review status: criteria provided, single submitter. Criteria: Invitae Variant Classification Sherloc (09022015). Collection method: clinical testing. Allele origin: germline.
Comment: In summary, the available evidence is currently insufficient to determine the role of this variant in disease. Therefore, it has been classified as a Variant of Uncertain Significance. Algorithms developed to predict the effect of missense changes on protein structure and function (SIFT, PolyPhen-2, Align-GVGD) all suggest that this variant is likely to be tolerated. ClinVar contains an entry for this variant (Variation ID: 1044490). This variant has not been reported in the literature in individuals affected with CACNA1F-related conditions. This variant is present in population databases (rs377551754, gnomAD 0.004%). This sequence change replaces alanine, which is neutral and non-polar, with threonine, which is neutral and polar, at codon 1616 of the CACNA1F protein (p.Ala1616Thr).

Blueprint Genetics
Classification: Likely benign. Last evaluated: 2019-12-17. Review status: criteria provided, single submitter. Criteria: ACMG Guidelines, 2015. Collection method: clinical testing. Allele origin: germline.